The following is an entry in ClinVar:

ClinVar aggregate classification (germline): Uncertain significance (1 of 4 stars; one submission).

Conditions:
Peroxisome biogenesis disorder, complementation group 7 (CG7). Also called: Peroxisome biogenesis disorder, complementation group B. Identifiers: MedGen C1864399.

Submission:

Labcorp Genetics (formerly Invitae), Labcorp
Classification: Uncertain significance for Peroxisome biogenesis disorder, complementation group 7. Last evaluated: 2022-08-10. Review status: criteria provided, single submitter. Criteria: Invitae Variant Classification Sherloc (09022015). Collection method: clinical testing. Allele origin: germline.
Comment: ClinVar contains an entry for this variant (Variation ID: 934315). In summary, the available evidence is currently insufficient to determine the role of this variant in disease. Therefore, it has been classified as a Variant of Uncertain Significance. Algorithms developed to predict the effect of missense changes on protein structure and function are either unavailable or do not agree on the potential impact of this missense change (SIFT: "Deleterious"; PolyPhen-2: "Probably Damaging"; Align-GVGD: "Class C0"). This variant has not been reported in the literature in individuals affected with PEX10-related conditions. This variant is not present in population databases (gnomAD no frequency). This sequence change replaces valine, which is neutral and non-polar, with methionine, which is neutral and non-polar, at codon 11 of the PEX10 protein (p.Val11Met).

NM_002617.4(PEX10):c.31G>A (p.Val11Met)

Gene: PEX10 (peroxisomal biogenesis factor 10; minus strand). Cytogenetic location: 1p36.32.
Variant type: single nucleotide variant.
Coding change: c.31G>A on transcript NM_002617.4 (MANE Select); coding-DNA position 31, G replaced by A.
Protein change: p.Val11Met; replaces valine 11 with methionine.
Molecular consequence: missense variant. On other transcripts: intron variant (2).
Genome position (GRCh38, 1-based): chr1:2,412,472, C>T on the plus strand (G>A on the coding strand, the complement: PEX10 is on the minus strand). VCF-style: chr1-2412472-C-T. GRCh37 (hg19) VCF-style: chr1-2343911-C-T.
Other names: c.31G>A, p.Val11Met (NM_001374425.1, NM_153818.2); c.-321+1125G>A (NM_001374427.1, NM_001374426.1); short protein forms V11M.
Identifiers: ClinVar variation 934315 (VCV000934315.4), dbSNP rs1643274878, ClinGen allele CA337990687.